The following is an entry in ClinVar:

ClinVar aggregate classification (germline): Uncertain significance. Review status: criteria provided, multiple submitters, no conflicts (2 of 4 stars). 2 submissions from 2 submitters: Uncertain significance (2). Last evaluated 2023-09-15.

Conditions:
Hereditary cancer-predisposing syndrome. Also called: Neoplastic Syndromes, Hereditary; Tumor predisposition; Hereditary Cancer Syndrome; Hereditary neoplastic syndrome. Identifiers: Orphanet 140162, MedGen C0027672, MeSH D009386, MONDO:0015356.
Gastrointestinal stromal tumor. Also called: Gastrointestinal stromal tumor, somatic; Gastrointestinal stroma tumor. Identifiers: Orphanet 44890, MedGen C0238198, MeSH D046152, MONDO:0011719, OMIM 606764, HP:0100723.

Submissions (2):

Ambry Genetics
Classification: Uncertain significance for Hereditary cancer-predisposing syndrome. Last evaluated: 2023-09-15. Review status: criteria provided, single submitter. Criteria: Ambry Variant Classification Scheme 2023. Collection method: clinical testing. Allele origin: germline.
Comment: The p.N511K variant (also known as c.1533C>A), located in coding exon 9 of the PDGFRA gene, results from a C to A substitution at nucleotide position 1533. The asparagine at codon 511 is replaced by lysine, an amino acid with similar properties. This amino acid position is conserved. In addition, this alteration is predicted to be tolerated by in silico analysis. Since supporting evidence is limited at this time, the clinical significance of this alteration remains unclear.

Labcorp Genetics (formerly Invitae), Labcorp
Classification: Uncertain significance for Gastrointestinal stromal tumor. Last evaluated: 2023-09-13. Review status: criteria provided, single submitter. Criteria: Invitae Variant Classification Sherloc (09022015). Collection method: clinical testing. Allele origin: germline.
Comment: In summary, the available evidence is currently insufficient to determine the role of this variant in disease. Therefore, it has been classified as a Variant of Uncertain Significance. Advanced modeling of protein sequence and biophysical properties (such as structural, functional, and spatial information, amino acid conservation, physicochemical variation, residue mobility, and thermodynamic stability) performed at Invitae indicates that this missense variant is not expected to disrupt PDGFRA protein function. This variant has not been reported in the literature in individuals affected with PDGFRA-related conditions. This variant is not present in population databases (gnomAD no frequency). This sequence change replaces asparagine, which is neutral and polar, with lysine, which is basic and polar, at codon 511 of the PDGFRA protein (p.Asn511Lys).

NM_006206.6(PDGFRA):c.1533C>A (p.Asn511Lys)

Gene: PDGFRA (platelet derived growth factor receptor alpha; plus strand). Cytogenetic location: 4q12.
Variant type: single nucleotide variant.
Coding change: c.1533C>A on transcript NM_006206.6 (MANE Select); coding-DNA position 1533, C replaced by A.
Protein change: p.Asn511Lys; replaces asparagine 511 with lysine.
Molecular consequence: missense variant.
Genome position (GRCh38, 1-based): chr4:54,273,705, C>A. VCF-style: chr4-54273705-C-A. GRCh37 (hg19) VCF-style: chr4-55139872-C-A.
Other names: c.1533C>A, p.Asn511Lys (NM_001347827.2, NM_001347829.2); c.1608C>A, p.Asn536Lys (NM_001347828.2); c.1572C>A, p.Asn524Lys (NM_001347830.2); short protein forms N511K, N524K, N536K.
Identifiers: ClinVar variation 2798274 (VCV002798274.4), dbSNP rs1553904229, ClinGen allele CA356892761.
Genomic context (GRCh38, chr4:54,273,705, plus strand): 5'-CAAAGTGGAGGAGACCATCGCCGTGCGATGCCTGGCTAAGAATCTCCTTGGAGCTGAGAA[C>A]CGAGAGCTGAAGCTGGTGGCTCCCAGTGAGTTCCTCAACAGTCAGGACAACTCATCAGCT-3'
Protein context (NP_006197.1, residues 501-521): CLAKNLLGAE[Asn511Lys]RELKLVAPTL